The following is an entry in ClinVar:

NM_006005.3(WFS1):c.*242G>C

Gene: WFS1 (wolframin ER transmembrane glycoprotein; plus strand). Cytogenetic location: 4p16.1.
Variant type: single nucleotide variant.
Coding change: c.*242G>C on transcript NM_006005.3 (MANE Select); 242 bases downstream of the stop codon, G replaced by C.
Molecular consequence: 3 prime UTR variant.
Genome position (GRCh38, 1-based): chr4:6,302,710, G>C. VCF-style: chr4-6302710-G-C. GRCh37 (hg19) VCF-style: chr4-6304437-G-C.
Other names: c.*242G>C (NM_001145853.1).
Identifiers: ClinVar variation 349339 (VCV000349339.6), dbSNP rs80055761, ClinGen allele CA10618114.
Genomic context (GRCh38, chr4:6,302,710, plus strand): 5'-CTCTGTCCACTCTGAATACCAAGTGTGTTGGGAATTGCATGCCATCTCCACCCTGAGCCT[G>C]ACCTTTCTGAGTGACATGGGTGTGCCAGGCTAGACTAGGAGGTTCCGGTGTCTGGAAAAG-3'

ClinVar aggregate classification (germline): Benign. Review status: criteria provided, multiple submitters, no conflicts (2 of 4 stars). 3 submissions from 2 submitters: Benign (3). Last evaluated 2018-01-13.

Conditions:
Wolfram syndrome 1 (WFS1). Identifiers: Orphanet 3463, MedGen C4551693, MONDO:0009101, OMIM 222300.
WFS1-Related Spectrum Disorders.
Autosomal dominant nonsyndromic hearing loss 6 (LFSNHL). Also called: DEAFNESS, AUTOSOMAL DOMINANT 6; DEAFNESS, AUTOSOMAL DOMINANT 14; DEAFNESS, AUTOSOMAL DOMINANT 38; Autosomal dominant nonsyndromic deafness 6; DIDMOAD (Diabetes Insipidus, Diabetes Mellitus, Optic Atrophy, and Deafness). Identifiers: Orphanet 90635, MedGen C1833021, MONDO:0010963, OMIM 600965.

Allele frequency attached by ClinVar (database versions not stated): gnomAD exomes 0.00059; gnomAD 0.00471 and 0.00526; 1000 Genomes Project 0.00499; 1000 Genomes Project 30x 0.00500; TOPMed 0.00560.

Submissions (3):

Illumina Laboratory Services, Illumina
Classification: Benign for Autosomal dominant nonsyndromic hearing loss 6. Last evaluated: 2018-01-13. Review status: criteria provided, single submitter. Criteria: ICSL Variant Classification Criteria 13 December 2019. Collection method: clinical testing. Allele origin: germline.
Comment: This variant was observed in the ICSL laboratory as part of a predisposition screen in an ostensibly healthy population. It had not been previously curated by ICSL or reported in the Human Gene Mutation Database (HGMD: prior to June 1st, 2018), and was therefore a candidate for classification through an automated scoring system. Utilizing variant allele frequency, disease prevalence and penetrance estimates, and inheritance mode, an automated score was calculated to assess if this variant is too frequent to cause the disease. Based on the score and internal cut-off values, a variant classified as benign is not then subjected to further curation. The score for this variant resulted in a classification of benign for this disease.

Illumina Laboratory Services, Illumina
Classification: Benign for WFS1-Related Spectrum Disorders. Last evaluated: 2018-01-13. Review status: criteria provided, single submitter. Criteria: ICSL Variant Classification Criteria 13 December 2019. Collection method: clinical testing. Allele origin: germline.
Comment: the same text as in the submission from Illumina Laboratory Services, Illumina above.

Clinical Genomics, Uppaluri K&H Personalized Medicine Clinic
Classification: Benign for Wolfram syndrome 1. Review status: criteria provided, single submitter. Criteria: K & H Uppaluri Personalized Medicine Clinic Variant Classification & Assertion Criteria_Updated V.1. Collection method: research. Allele origin: unknown. Inheritance: Autosomal recessive inheritance.
Comment: Potent mutations in WFS1 gene are associated with Wolfram's syndrome, an autosomal recessive condition, which cause diabetes mellitus, diabetes insipidus, deafness and optic atrophy. However no sufficient evidence is found to ascertain the role of this particular variant rs80055761 in Wolfram's syndrome yet.

Literature cited by the submitters: PubMed 20738327 (cited by Clinical Genomics, Uppaluri K&H Personalized Medicine Clinic); PubMed 33879153 (cited by Clinical Genomics, Uppaluri K&H Personalized Medicine Clinic); PubMed 12955714 (cited by Clinical Genomics, Uppaluri K&H Personalized Medicine Clinic); PubMed 18060660 (cited by Clinical Genomics, Uppaluri K&H Personalized Medicine Clinic); PubMed 20301750 (cited by Clinical Genomics, Uppaluri K&H Personalized Medicine Clinic); PubMed 17603484 (cited by Clinical Genomics, Uppaluri K&H Personalized Medicine Clinic).